The following is an entry in ClinVar:

NM_020975.6(RET):c.867+4C>G

Gene: RET (ret proto-oncogene; plus strand). Cytogenetic location: 10q11.21.
Variant type: single nucleotide variant.
Coding change: c.867+4C>G on transcript NM_020975.6 (MANE Select); 4 bases into the intron after coding-DNA position 867, C replaced by G.
Molecular consequence: intron variant.
Genome position (GRCh38, 1-based): chr10:43,105,197, C>G. VCF-style: chr10-43105197-C-G. GRCh37 (hg19) VCF-style: chr10-43600645-C-G.
Other names: c.867+4C>G (NM_020630.7, NM_001406743.1, NM_001406744.1 and 6 more transcripts); c.625+2568C>G (NM_001406773.1, NM_001406771.1, NM_001406782.1 and 5 more transcripts); c.738+4C>G (NM_001406764.1, NM_001406762.1, NM_001406761.1 and 2 more transcripts); c.496+2568C>G (NM_001406786.1, NM_001406783.1); c.579+4C>G (NM_001406770.1, NM_001406766.1, NM_001406767.1); c.338-3834C>G (NM_001406778.1, NM_001406775.1, NM_001406776.1 and 1 more transcripts); c.337+4475C>G (NM_001406790.1, NM_001406788.1, NM_001406789.1 and 1 more transcripts); c.74-3834C>G (NM_001406784.1); and 2 more.
Identifiers: ClinVar variation 877981 (VCV000877981.7), dbSNP rs1837741280, ClinGen allele CA1139661423.

ClinVar aggregate classification (germline): Uncertain significance. Review status: criteria provided, multiple submitters, no conflicts (2 of 4 stars). 5 submissions from 2 submitters: Uncertain significance (5). Last evaluated 2025-01-06.

Conditions:
Multiple endocrine neoplasia. Identifiers: Orphanet 276161, MedGen C0027662, MONDO:0017169.
Hirschsprung disease, susceptibility to, 1 (HSCR1). Also called: RET-Related Hirschsprung Disease. Identifiers: Orphanet 388, MedGen C3888239, MONDO:0007723, OMIM 142623.
Pheochromocytoma. Also called: MAX-Related Hereditary Paraganglioma-Pheochromocytoma Syndrome. Identifiers: Orphanet 29072, MedGen C0031511, MONDO:0008233, OMIM 171300, HP:0002666.
Renal hypodysplasia/aplasia 1 (RHDA1). Also called: HEREDITARY RENAL APLASIA; RENAL APLASIA. Identifiers: Orphanet 411709, MedGen C1619700, MONDO:0024519, OMIM 191830.
Hereditary cancer-predisposing syndrome. Also called: Neoplastic Syndromes, Hereditary; Tumor predisposition; Hereditary Cancer Syndrome; Hereditary neoplastic syndrome. Identifiers: Orphanet 140162, MedGen C0027672, MeSH D009386, MONDO:0015356.

Submissions (5):

Ambry Genetics
Classification: Uncertain significance for Hereditary cancer-predisposing syndrome. Last evaluated: 2025-01-06. Review status: criteria provided, single submitter. Criteria: Ambry Variant Classification Scheme 2023. Collection method: clinical testing. Allele origin: germline.
Comment: The c.867+4C>G intronic variant results from a C to G substitution 4 nucleotides after coding exon 4 in the RET gene. This nucleotide position is well conserved in available vertebrate species. In silico splice site analysis predicts that this alteration will not have any significant effect on splicing. Based on the available evidence, the clinical significance of this variant remains unclear.

Illumina Laboratory Services, Illumina
Classification: Uncertain significance for Pheochromocytoma. Last evaluated: 2018-01-13. Review status: criteria provided, single submitter. Criteria: ICSL Variant Classification Criteria 13 December 2019. Collection method: clinical testing. Allele origin: germline.

Illumina Laboratory Services, Illumina
Classification: Uncertain significance for Multiple endocrine neoplasia. Last evaluated: 2018-01-13. Review status: criteria provided, single submitter. Criteria: ICSL Variant Classification Criteria 13 December 2019. Collection method: clinical testing. Allele origin: germline.

Illumina Laboratory Services, Illumina
Classification: Uncertain significance for Renal hypodysplasia/aplasia 1. Last evaluated: 2018-01-13. Review status: criteria provided, single submitter. Criteria: ICSL Variant Classification Criteria 13 December 2019. Collection method: clinical testing. Allele origin: germline.

Illumina Laboratory Services, Illumina
Classification: Uncertain significance for Hirschsprung disease, susceptibility to, 1. Last evaluated: 2018-01-13. Review status: criteria provided, single submitter. Criteria: ICSL Variant Classification Criteria 13 December 2019. Collection method: clinical testing. Allele origin: germline.